The following is an entry in ClinVar:

ClinVar aggregate classification (germline): Uncertain significance (1 of 4 stars; one submission).

gnomAD v4.1: 2 of 1,603,718 alleles (0.00012%); highest among the groups gnomAD compares: Non-Finnish European, 0.00017%; no homozygotes.

Submission:

Labcorp Genetics (formerly Invitae), Labcorp
Classification: Uncertain significance. Last evaluated: 2022-11-22. Review status: criteria provided, single submitter. Criteria: Invitae Variant Classification Sherloc (09022015). Collection method: clinical testing. Allele origin: germline.
Comment: This variant has not been reported in the literature in individuals affected with PTPN23-related conditions. This variant is not present in population databases (gnomAD no frequency). This sequence change replaces proline, which is neutral and non-polar, with leucine, which is neutral and non-polar, at codon 1013 of the PTPN23 protein (p.Pro1013Leu). ClinVar contains an entry for this variant (Variation ID: 1417782). Algorithms developed to predict the effect of missense changes on protein structure and function are either unavailable or do not agree on the potential impact of this missense change (SIFT: "Tolerated"; PolyPhen-2: "Not Available"; Align-GVGD: "Class C0"). In summary, the available evidence is currently insufficient to determine the role of this variant in disease. Therefore, it has been classified as a Variant of Uncertain Significance.

NM_015466.4(PTPN23):c.3038C>T (p.Pro1013Leu)

Gene: PTPN23 (protein tyrosine phosphatase non-receptor type 23; plus strand). Cytogenetic location: 3p21.31.
Variant type: single nucleotide variant.
Coding change: c.3038C>T on transcript NM_015466.4 (MANE Select); coding-DNA position 3038, C replaced by T.
Protein change: p.Pro1013Leu; replaces proline 1013 with leucine.
Molecular consequence: missense variant.
Genome position (GRCh38, 1-based): chr3:47,410,836, C>T. VCF-style: chr3-47410836-C-T. GRCh37 (hg19) VCF-style: chr3-47452326-C-T.
Other names: c.2660C>T, p.Pro887Leu (NM_001304482.2); short protein forms P887L, P1013L.
Identifiers: ClinVar variation 1417782 (VCV001417782.6), dbSNP rs2107723847, ClinGen allele CA352561025.